The following is an entry in ClinVar:

NM_000217.3(KCNA1):c.1306G>C (p.Ala436Pro)

Gene: KCNA1 (potassium voltage-gated channel subfamily A member 1; plus strand). Cytogenetic location: 12p13.32.
Variant type: single nucleotide variant.
Coding change: c.1306G>C on transcript NM_000217.3 (MANE Select); coding-DNA position 1306, G replaced by C.
Protein change: p.Ala436Pro; replaces alanine 436 with proline.
Molecular consequence: missense variant.
Genome position (GRCh38, 1-based): chr12:4,912,684, G>C. VCF-style: chr12-4912684-G-C. GRCh37 (hg19) VCF-style: chr12-5021850-G-C.
Other names: short protein forms A436P.
Identifiers: ClinVar variation 2121906 (VCV002121906.4), dbSNP rs2497354167, ClinGen allele CA383456487.
Genomic context (GRCh38, chr12:4,912,684, plus strand): 5'-CACCGAGAAACTGAGGGGGAAGAGCAGGCTCAGTTGCTCCACGTCAGTTCCCCTAACTTA[G>C]CCTCTGACAGTGACCTCAGTCGCCGCAGTTCCTCTACTATGAGCAAGTCTGAGTACATGG-3'
Protein context (NP_000208.2, residues 426-446): QLLHVSSPNL[Ala436Pro]SDSDLSRRSS

ClinVar aggregate classification (germline): Uncertain significance (1 of 4 stars; one submission).

Conditions:
Episodic ataxia type 1 (EA1). Also called: ATAXIA, EPISODIC, WITH MYOKYMIA; MYOKYMIA WITH PERIODIC ATAXIA; PAROXYSMAL ATAXIA WITH NEUROMYOTONIA, HEREDITARY; Episodic ataxia/myokymia syndrome. Identifiers: Orphanet 37612, Orphanet 972, MedGen C1719788, MONDO:0008047, OMIM 160120.

Submission:

Labcorp Genetics (formerly Invitae), Labcorp
Classification: Uncertain significance for Episodic ataxia type 1. Last evaluated: 2023-08-04. Review status: criteria provided, single submitter. Criteria: Invitae Variant Classification Sherloc (09022015). Collection method: clinical testing. Allele origin: germline.
Comment: In summary, the available evidence is currently insufficient to determine the role of this variant in disease. Therefore, it has been classified as a Variant of Uncertain Significance. Advanced modeling of protein sequence and biophysical properties (such as structural, functional, and spatial information, amino acid conservation, physicochemical variation, residue mobility, and thermodynamic stability) performed at Invitae indicates that this missense variant is not expected to disrupt KCNA1 protein function. ClinVar contains an entry for this variant (Variation ID: 2121906). This variant has not been reported in the literature in individuals affected with KCNA1-related conditions. This variant is not present in population databases (gnomAD no frequency). This sequence change replaces alanine, which is neutral and non-polar, with proline, which is neutral and non-polar, at codon 436 of the KCNA1 protein (p.Ala436Pro).